The following is an entry in ClinVar:

NM_020461.4(TUBGCP6):c.1487C>G (p.Pro496Arg)

Gene: TUBGCP6 (tubulin gamma complex component 6; minus strand). Cytogenetic location: 22q13.33.
Variant type: single nucleotide variant.
Coding change: c.1487C>G on transcript NM_020461.4 (MANE Select); coding-DNA position 1487, C replaced by G.
Protein change: p.Pro496Arg; replaces proline 496 with arginine.
Molecular consequence: missense variant.
Genome position (GRCh38, 1-based): chr22:50,227,003, G>C on the plus strand (C>G on the coding strand, the complement: TUBGCP6 is on the minus strand). VCF-style: chr22-50227003-G-C. GRCh37 (hg19) VCF-style: chr22-50665432-G-C.
Other names: short protein forms P496R.
Identifiers: ClinVar variation 840438 (VCV000840438.9), dbSNP rs1279427758, ClinGen allele CA412107124.

ClinVar aggregate classification (germline): Uncertain significance (1 of 4 stars; one submission).

Allele frequency attached by ClinVar (database versions not stated): gnomAD exomes below 0.00001.
gnomAD v4.1: 1 of 1,611,862 alleles (0.000062%); highest among the groups gnomAD compares: Non-Finnish European, 0.000085%; no homozygotes.

Submission:

Labcorp Genetics (formerly Invitae), Labcorp
Classification: Uncertain significance. Last evaluated: 2024-08-12. Review status: criteria provided, single submitter. Criteria: Invitae Variant Classification Sherloc (09022015). Collection method: clinical testing. Allele origin: germline.
Comment: This sequence change replaces proline, which is neutral and non-polar, with arginine, which is basic and polar, at codon 496 of the TUBGCP6 protein (p.Pro496Arg). This variant is present in population databases (no rsID available, gnomAD 0.0009%). This variant has not been reported in the literature in individuals affected with TUBGCP6-related conditions. ClinVar contains an entry for this variant (Variation ID: 840438). An algorithm developed to predict the effect of missense changes on protein structure and function (PolyPhen-2) suggests that this variant is likely to be disruptive. In summary, the available evidence is currently insufficient to determine the role of this variant in disease. Therefore, it has been classified as a Variant of Uncertain Significance.